The following is an entry in ClinVar:

NM_153240.5(NPHP3):c.3521C>T (p.Pro1174Leu)

Genes: NPHP3-ACAD11 (NPHP3-ACAD11 readthrough (NMD candidate); minus strand), NPHP3 (nephrocystin 3; minus strand). Cytogenetic location: 3q22.1.
Variant type: single nucleotide variant.
Coding change: c.3521C>T on transcript NM_153240.5 (MANE Select); coding-DNA position 3521, C replaced by T.
Protein change: p.Pro1174Leu; replaces proline 1174 with leucine.
Molecular consequence: missense variant. On other transcripts: non-coding transcript variant (1).
Genome position (GRCh38, 1-based): chr3:132,684,603, G>A on the plus strand (C>T on the coding strand, the complement: NPHP3 is on the minus strand). VCF-style: chr3-132684603-G-A. GRCh37 (hg19) VCF-style: chr3-132403447-G-A.
Other names: short protein forms P1174L.
Identifiers: ClinVar variation 1037758 (VCV001037758.7), dbSNP rs1411458250, ClinGen allele CA354578823.

ClinVar aggregate classification (germline): Uncertain significance. Review status: criteria provided, multiple submitters, no conflicts (2 of 4 stars). 2 submissions from 2 submitters: Uncertain significance (2). Last evaluated 2024-04-20.

Conditions:
Nephronophthisis. Also called: Juvenile Nephronophthisis. Identifiers: Orphanet 655, MedGen C0687120, MONDO:0019005, HP:0000090.
Nephronophthisis 3 (NPHP3). Also called: Adolescent nephronophthisis. Identifiers: Orphanet 655, MedGen C1858392, MONDO:0011456, OMIM 604387.
Renal-hepatic-pancreatic dysplasia 1 (RHPD1). Identifiers: MedGen C3715199, MONDO:0008833, OMIM 208540.
NPHP3-related Meckel-like syndrome. Also called: Meckel syndrome type 7; GOLDSTON SYNDROME. Identifiers: Orphanet 3032, MedGen C2673885, MONDO:0009966, OMIM 267010.

Allele frequency attached by ClinVar (database versions not stated): gnomAD 0.00002 and 0.00003; TOPMed 0.00005.
gnomAD v4.1: 7 of 1,613,864 alleles (0.00043%); highest among the groups gnomAD compares: Admixed American, 0.005%; no homozygotes.

Submissions (2):

Fulgent Genetics
Classification: Uncertain significance for Renal-hepatic-pancreatic dysplasia 1; NPHP3-related Meckel-like syndrome; Nephronophthisis 3. Last evaluated: 2024-04-20. Review status: criteria provided, single submitter. Criteria: ACMG Guidelines, 2015. Collection method: clinical testing. Allele origin: germline.

Labcorp Genetics (formerly Invitae), Labcorp
Classification: Uncertain significance for Nephronophthisis. Last evaluated: 2023-10-03. Review status: criteria provided, single submitter. Criteria: Invitae Variant Classification Sherloc (09022015). Collection method: clinical testing. Allele origin: germline.
Comment: This sequence change replaces proline, which is neutral and non-polar, with leucine, which is neutral and non-polar, at codon 1174 of the NPHP3 protein (p.Pro1174Leu). This variant is not present in population databases (gnomAD no frequency). This variant has not been reported in the literature in individuals affected with NPHP3-related conditions. ClinVar contains an entry for this variant (Variation ID: 1037758). Advanced modeling of protein sequence and biophysical properties (such as structural, functional, and spatial information, amino acid conservation, physicochemical variation, residue mobility, and thermodynamic stability) has been performed at Invitae for this missense variant, however the output from this modeling did not meet the statistical confidence thresholds required to predict the impact of this variant on NPHP3 protein function. In summary, the available evidence is currently insufficient to determine the role of this variant in disease. Therefore, it has been classified as a Variant of Uncertain Significance.